The following is an entry in ClinVar:

ClinVar aggregate classification (germline): Likely benign. Review status: criteria provided, multiple submitters, no conflicts (2 of 4 stars). 3 submissions from 3 submitters: Likely benign (3). Last evaluated 2025-09-05.

Conditions:
CRB1-related disorder. Also called: CRB1-related disorders; CRB1-related condition.
Leber congenital amaurosis 8 (LCA8). Identifiers: Orphanet 65, MedGen C3151202, MONDO:0013453, OMIM 613835.
Retinitis pigmentosa 12 (RP12). Also called: RP WITH OR WITHOUT PRESERVED PARAARTERIOLE RETINAL PIGMENT EPITHELIUM; RETINITIS PIGMENTOSA WITH OR WITHOUT PARAARTERIOLAR PRESERVATION OF RETINAL PIGMENT EPITHELIUM; RP WITH OR WITHOUT PPRPE. Identifiers: Orphanet 791, MedGen C1838647, MONDO:0010818, OMIM 600105.

Allele frequency attached by ClinVar (database versions not stated): TOPMed 0.00003; gnomAD exomes 0.00004 and 0.00006; gnomAD 0.00005 and 0.00006; ESP Exome Variant Server 0.00008; ExAC 0.00009.
gnomAD v4.1: 64 of 1,613,890 alleles (0.004%); highest among the groups gnomAD compares: South Asian, 0.014%; no homozygotes.

Submissions (3):

PreventionGenetics, part of Exact Sciences
Classification: Likely benign for CRB1-related condition. Last evaluated: 2025-09-05. Review status: criteria provided, single submitter. Criteria: ACMG Guidelines, 2015. Collection method: clinical testing. Allele origin: germline.
Comment: This variant is classified as likely benign based on ACMG/AMP sequence variant interpretation guidelines (Richards et al. 2015 PMID: 25741868, with internal and published modifications).

Blueprint Genetics
Classification: Likely benign. Last evaluated: 2024-05-06. Review status: criteria provided, single submitter. Criteria: ACMG Guidelines, 2015. Collection method: clinical testing. Allele origin: germline.

Labcorp Genetics (formerly Invitae), Labcorp
Classification: Likely benign for Leber congenital amaurosis 8; Retinitis pigmentosa 12. Last evaluated: 2024-02-06. Review status: criteria provided, single submitter. Criteria: Invitae Variant Classification Sherloc (09022015). Collection method: clinical testing. Allele origin: germline.

NM_201253.3(CRB1):c.2796G>A (p.Pro932=)

Gene: CRB1 (crumbs cell polarity complex component 1; plus strand). Cytogenetic location: 1q31.3.
Variant type: single nucleotide variant.
Coding change: c.2796G>A on transcript NM_201253.3 (MANE Select); coding-DNA position 2796, G replaced by A.
Protein change: p.Pro932=; no amino-acid change (proline 932 retained).
Molecular consequence: synonymous variant. On other transcripts: non-coding transcript variant (2), intron variant (1).
Genome position (GRCh38, 1-based): chr1:197,429,568, G>A. VCF-style: chr1-197429568-G-A. GRCh37 (hg19) VCF-style: chr1-197398698-G-A.
Other names: c.2796G>A (NM_201253.2); c.2460G>A, p.Pro820= (NM_001193640.2); c.2724G>A, p.Pro908= (NM_001257965.2); c.2129-6032G>A (NM_001257966.2).
Identifiers: ClinVar variation 1089147 (VCV001089147.9), dbSNP rs139127915, ClinGen allele CA1312206.